The following is an entry in ClinVar:

NM_000143.4(FH):c.552C>T (p.Ser184=)

Gene: FH (fumarate hydratase; minus strand). Cytogenetic location: 1q43.
Variant type: single nucleotide variant.
Coding change: c.552C>T on transcript NM_000143.4 (MANE Select); coding-DNA position 552, C replaced by T.
Protein change: p.Ser184=; no amino-acid change (serine 184 retained).
Molecular consequence: synonymous variant.
Genome position (GRCh38, 1-based): chr1:241,511,970, G>A on the plus strand (C>T on the coding strand, the complement: FH is on the minus strand). VCF-style: chr1-241511970-G-A. GRCh37 (hg19) VCF-style: chr1-241675270-G-A.
Identifiers: ClinVar variation 460365 (VCV000460365.20), dbSNP rs377660762, ClinGen allele CA1478669.

ClinVar aggregate classification (germline): Benign/Likely benign. Review status: criteria provided, multiple submitters, no conflicts (2 of 4 stars). 5 submissions from 5 submitters: Benign (1); Likely benign (4). Last evaluated 2025-08-28.

Conditions:
Hereditary leiomyomatosis and renal cell cancer. Also called: Familial leiomyomatosis; MULTIPLE CUTANEOUS AND UTERINE LEIOMYOMATA 1, WITH OR WITHOUT RENAL CELL CARCINOMA; Multiple cutaneous leiomyomas; Reed syndrome; Multiple cutaneous and uterine leiomyomatosis; Cutaneous leiomyomata with uterine leiomyomata. Identifiers: Orphanet 523, MedGen C1708350, MONDO:0007888, OMIM 150800, HP:0007437. Disease mechanism: loss of function.
Hereditary cancer-predisposing syndrome. Also called: Tumor predisposition; Hereditary neoplastic syndrome; Neoplastic Syndromes, Hereditary; Hereditary Cancer Syndrome. Identifiers: Orphanet 140162, MedGen C0027672, MeSH D009386, MONDO:0015356.

Allele frequency attached by ClinVar (database versions not stated): ExAC 0.00002; gnomAD exomes 0.00002; gnomAD 0.00006 and 0.00007; TOPMed 0.00007; ESP Exome Variant Server 0.00015.

Submissions (5):

Labcorp Genetics (formerly Invitae), Labcorp
Classification: Likely benign. Last evaluated: 2025-08-28. Review status: criteria provided, single submitter. Criteria: Invitae Variant Classification Sherloc (09022015). Collection method: clinical testing. Allele origin: germline.

Quest Diagnostics Nichols Institute San Juan Capistrano
Classification: Likely benign. Last evaluated: 2024-12-02. Review status: criteria provided, single submitter. Criteria: Quest Diagnostics criteria. Collection method: clinical testing. Allele origin: unknown.

Myriad Genetics, Inc.
Classification: Benign for Hereditary leiomyomatosis and renal cell cancer. Last evaluated: 2024-10-18. Review status: criteria provided, single submitter. Criteria: Myriad Autosomal Dominant, Autosomal Recessive and X-Linked Classification Criteria (2023). Collection method: clinical testing. Allele origin: unknown.
Comment: This variant is considered benign. This variant is a silent/synonymous amino acid change and it is not expected to impact splicing.

Ambry Genetics
Classification: Likely benign for Hereditary cancer-predisposing syndrome. Last evaluated: 2019-06-14. Review status: criteria provided, single submitter. Criteria: Ambry Variant Classification Scheme 2023. Collection method: clinical testing. Allele origin: germline.

GeneDx
Classification: Likely benign. Last evaluated: 2018-08-08. Review status: criteria provided, single submitter. Criteria: GeneDx Variant Classification Process June 2021. Collection method: clinical testing. Allele origin: germline. Affected: yes.